The following is an entry in ClinVar:

ClinVar aggregate classification (germline): Uncertain significance (1 of 4 stars; one submission).

Submission:

GeneDx
Classification: Uncertain significance. Last evaluated: 2024-07-03. Review status: criteria provided, single submitter. Criteria: GeneDx Variant Classification Process June 2021. Collection method: clinical testing. Allele origin: germline. Affected: yes.
Comment: Not observed at significant frequency in large population cohorts (gnomAD); In silico analysis indicates that this missense variant does not alter protein structure/function; Has not been previously published as pathogenic or benign to our knowledge

NM_015030.2(FRYL):c.2092A>G (p.Ser698Gly)

Gene: FRYL (FRY like transcription coactivator; minus strand). Cytogenetic location: 4p11.
Variant type: single nucleotide variant.
Coding change: c.2092A>G on transcript NM_015030.2 (MANE Select); coding-DNA position 2092, A replaced by G.
Protein change: p.Ser698Gly; replaces serine 698 with glycine.
Molecular consequence: missense variant.
Genome position (GRCh38, 1-based): chr4:48,581,500, T>C on the plus strand (A>G on the coding strand, the complement: FRYL is on the minus strand). VCF-style: chr4-48581500-T-C. GRCh37 (hg19) VCF-style: chr4-48583517-T-C.
Other names: short protein forms S698G.
Identifiers: ClinVar variation 3393832 (VCV003393832.1).